The following is an entry in ClinVar:

ClinVar aggregate classification (germline): Likely pathogenic (1 of 4 stars; one submission).

Conditions:
Neurodevelopmental disorder with epilepsy and brain atrophy (NEDEBA). Identifiers: MedGen C5774184, MONDO:0859265, OMIM 619971.

Submission:

First Genomix Gene Laboratory, Genetic Diagnostics Department
Classification: Likely pathogenic for Neurodevelopmental disorder with epilepsy and brain atrophy. Last evaluated: 2025-03-17. Review status: criteria provided, single submitter. Criteria: ACMG Guidelines, 2015. Collection method: clinical testing. Allele origin: germline. Inheritance: Autosomal recessive inheritance. Affected: no. Observed: 1 variant allele.

NM_001130021.3(ATP6V0A1):c.948_949del (p.Lys317fs)

Gene: ATP6V0A1 (ATPase H+ transporting V0 subunit a1; plus strand). Cytogenetic location: 17q21.2.
Variant type: Deletion.
Coding change: c.948_949del on transcript NM_001130021.3 (MANE Select); coding-DNA positions 948 to 949, 2 bases deleted (GA; older notation c.948_949delGA).
Protein change: p.Lys317fs; shifts the reading frame from lysine 317.
Molecular consequence: frameshift variant. On other transcripts: intron variant (2).
Genome position (GRCh38, 1-based): chr17:42,487,292-42,487,293, GA deleted; deleting any 2 consecutive bases within chr17:42,487,291-42,487,293 gives the same sequence; the c. name uses the placement nearest the transcript's 3' end. VCF-style (leftmost placement, unchanged base first): chr17-42487290-CAG-C. GRCh37 (hg19) VCF-style: chr17-40639308-CAG-C.
Other names: c.969_970del, p.Lys324fs (NM_001130020.3, NM_001378522.1, NM_001378523.1 and 3 more transcripts); c.1071_1072del, p.Lys358fs (NM_001378530.1, NM_001378533.1, NM_001378551.1 and 1 more transcripts); c.1092_1093del, p.Lys365fs (NM_001378531.1, NM_001378532.1); c.948_949del, p.Lys317fs (NM_001378535.1, NM_001378537.1, NM_001378542.1 and 4 more transcripts); c.840_841del, p.Lys281fs (NM_001378536.1, NM_001378550.1, NM_001378556.1); c.819_820del, p.Lys274fs (NM_001378538.1, NM_001378540.1); c.789_790del, p.Lys264fs (NM_001378543.1); c.811-3195_811-3194del (NM_001378546.1, NM_001378547.1); and 3 more; short protein forms K247fs, K257fs, K264fs, K274fs, K281fs, K317fs, K324fs, K358fs.
Identifiers: ClinVar variation 4845866 (VCV004845866.1).